The following is an entry in ClinVar:

ClinVar aggregate classification (germline): Benign. Review status: criteria provided, multiple submitters, no conflicts (2 of 4 stars). 2 submissions from 2 submitters: Benign (2). Last evaluated 2018-06-14.

Allele frequency attached by ClinVar (database versions not stated): TOPMed 0.42234; gnomAD 0.42845 and 0.42886; 1000 Genomes Project 30x 0.42770; 1000 Genomes Project 0.43630.
gnomAD v4.1: 220,646 of 493,200 alleles (45%); highest among the groups gnomAD compares: East Asian, 58%; 50,521 homozygotes.

Submissions (2):

GeneDx
Classification: Benign. Last evaluated: 2018-06-14. Review status: criteria provided, single submitter. Criteria: GeneDx Variant Classification (06012015). Collection method: clinical testing. Allele origin: germline. Affected: yes.
Comment: This variant is considered likely benign or benign based on one or more of the following criteria: it is a conservative change, it occurs at a poorly conserved position in the protein, it is predicted to be benign by multiple in silico algorithms, and/or has population frequency not consistent with disease.

Breakthrough Genomics
Classification: Benign. Review status: criteria provided, single submitter. Criteria: ACMG Guidelines, 2015. Collection method: not provided. Allele origin: germline. Inheritance: Autosomal recessive inheritance. Affected: yes.

NM_007347.4(AP4E1):c.-222C>T

Gene: AP4E1 (adaptor related protein complex 4 subunit epsilon 1; plus strand). Cytogenetic location: 15q21.2.
Variant type: single nucleotide variant.
Coding change: c.-222C>T on transcript NM_007347.4; 222 bases upstream of the start codon, C replaced by T.
Genome position (GRCh38, 1-based): chr15:50,908,557, C>T. VCF-style: chr15-50908557-C-T. GRCh37 (hg19) VCF-style: chr15-51200754-C-T.
Identifiers: ClinVar variation 677997 (VCV000677997.4), dbSNP rs12908516, ClinGen allele CA14144458.